The following is an entry in ClinVar:

ClinVar aggregate classification (germline): Benign. Review status: reviewed by expert panel (3 of 4 stars). 4 submissions from 4 submitters: Benign (1). 3 of the submissions do not count toward it. Last evaluated 2025-03-10.

Conditions:
Inborn genetic diseases. Identifiers: MedGen C0950123, MeSH D030342.
Hereditary factor VIII deficiency disease (HEMA). Also called: Hemophilia A, congenital; HEM A; Factor 8 deficiency, congenital; Hemophilia A; AUTOSOMAL HEMOPHILIA A; HEMOPHILIA, CLASSIC. Identifiers: Orphanet 98878, MedGen C0019069, MONDO:0010602, OMIM 306700.

Allele frequency attached by ClinVar (database versions not stated): TOPMed 0.00008.
gnomAD v4.1: 26 of 1,208,956 alleles (0.0022%); highest among the groups gnomAD compares: East Asian, 0.068%; no homozygotes.

Submissions (4):

ClinGen Coagulation Factor Deficiency Variant Curation Expert Panel, Clingen
Classification: Benign for Hereditary factor VIII deficiency disease. Last evaluated: 2025-03-10. Review status: reviewed by expert panel. Criteria: ClinGen CoagFactor ACMG Specifications F8 V1.0.0. Collection method: curation. Allele origin: germline. Inheritance: X-linked inheritance.
Comment: The c.3280G>A variant in F8 is a missense variant predicted to cause substitution of Glutamate by Lysine at amino acid 1094 (p.Glu1094Lys). The highest population minor allele frequency in gnomAD v2.1.1 is 0.001817 (27/14858 alleles) with 9 hemizygotes in the East Asian population, which is higher than the ClinGen Coagulation Factor Deficiency VCEP threshold (>=0.000333) for BA1, and therefore meets this criterion (BA1). In summary, this variant meets the criteria to be classified as benign for hemophilia A based on the ACMG/AMP criteria applied, as specified by the ClinGen Coagulation Factor Deficiency VCEP (version 1.0.0, released 10/5/2023): BA1.

Blueprint Genetics
Classification: Likely benign. Last evaluated: 2022-09-23. Review status: criteria provided, single submitter. Criteria: ACMG Guidelines, 2015. Collection method: clinical testing. Allele origin: germline. Not counted in ClinVar's aggregate classification.

Ambry Genetics
Classification: Uncertain significance for Inborn genetic diseases. Last evaluated: 2022-05-27. Review status: criteria provided, single submitter. Criteria: Ambry Variant Classification Scheme 2023. Collection method: clinical testing. Allele origin: germline. Not counted in ClinVar's aggregate classification.

Labcorp Genetics (formerly Invitae), Labcorp
Classification: Likely benign. Last evaluated: 2019-12-31. Review status: criteria provided, single submitter. Criteria: Invitae Variant Classification Sherloc (09022015). Collection method: clinical testing. Allele origin: germline. Not counted in ClinVar's aggregate classification.

NM_000132.4(F8):c.3280G>A (p.Glu1094Lys)

Gene: F8 (coagulation factor VIII; minus strand). Cytogenetic location: Xq28.
Variant type: single nucleotide variant.
Coding change: c.3280G>A on transcript NM_000132.4 (MANE Select); coding-DNA position 3280, G replaced by A.
Protein change: p.Glu1094Lys; replaces glutamic acid 1094 with lysine.
Molecular consequence: missense variant.
Genome position (GRCh38, 1-based): chrX:154,930,510, C>T on the plus strand (G>A on the coding strand, the complement: F8 is on the minus strand). VCF-style: chrX-154930510-C-T. GRCh37 (hg19) VCF-style: chrX-154158785-C-T.
Other names: NM_000132.4(F8):c.3280G>A; p.Glu1094Lys; short protein forms E1094K.
Identifiers: ClinVar variation 794089 (VCV000794089.8), dbSNP rs377119670, ClinGen allele CA10568231.